The following is an entry in ClinVar:

ClinVar aggregate classification (germline): Uncertain significance. Review status: criteria provided, multiple submitters, no conflicts (2 of 4 stars). 2 submissions from 2 submitters: Uncertain significance (2). Last evaluated 2025-01-02.

Conditions:
Hereditary cancer-predisposing syndrome. Also called: Tumor predisposition; Hereditary Cancer Syndrome; Hereditary neoplastic syndrome; Neoplastic Syndromes, Hereditary. Identifiers: Orphanet 140162, MedGen C0027672, MeSH D009386, MONDO:0015356.
EGFR-related lung cancer (EGFR). Identifiers: MedGen CN130014.

Submissions (2):

Ambry Genetics
Classification: Uncertain significance for Hereditary cancer-predisposing syndrome. Last evaluated: 2025-01-02. Review status: criteria provided, single submitter. Criteria: Ambry Variant Classification Scheme 2023. Collection method: clinical testing. Allele origin: germline.
Comment: The p.K960Q variant (also known as c.2878A>C), located in coding exon 24 of the EGFR gene, results from an A to C substitution at nucleotide position 2878. The lysine at codon 960 is replaced by glutamine, an amino acid with similar properties. This amino acid position is conserved. In addition, the in silico prediction for this alteration is inconclusive. Based on the available evidence, the clinical significance of this variant remains unclear.

Labcorp Genetics (formerly Invitae), Labcorp
Classification: Uncertain significance for EGFR-related lung cancer. Last evaluated: 2023-09-27. Review status: criteria provided, single submitter. Criteria: Invitae Variant Classification Sherloc (09022015). Collection method: clinical testing. Allele origin: germline.
Comment: In summary, the available evidence is currently insufficient to determine the role of this variant in disease. Therefore, it has been classified as a Variant of Uncertain Significance. Advanced modeling of protein sequence and biophysical properties (such as structural, functional, and spatial information, amino acid conservation, physicochemical variation, residue mobility, and thermodynamic stability) performed at Invitae indicates that this missense variant is not expected to disrupt EGFR protein function. This variant has not been reported in the literature in individuals affected with EGFR-related conditions. This variant is not present in population databases (gnomAD no frequency). This sequence change replaces lysine, which is basic and polar, with glutamine, which is neutral and polar, at codon 960 of the EGFR protein (p.Lys960Gln).

NM_005228.5(EGFR):c.2878A>C (p.Lys960Gln)

Gene: EGFR (epidermal growth factor receptor; plus strand). Cytogenetic location: 7p11.2.
Variant type: single nucleotide variant.
Coding change: c.2878A>C on transcript NM_005228.5 (MANE Select); coding-DNA position 2878, A replaced by C.
Protein change: p.Lys960Gln; replaces lysine 960 with glutamine.
Molecular consequence: missense variant.
Genome position (GRCh38, 1-based): chr7:55,200,345, A>C. VCF-style: chr7-55200345-A-C. GRCh37 (hg19) VCF-style: chr7-55268038-A-C.
Other names: c.2743A>C, p.Lys915Gln (NM_001346897.2, NM_001346899.2); c.2878A>C, p.Lys960Gln (NM_001346898.2); c.2719A>C, p.Lys907Gln (NM_001346900.2); c.2077A>C, p.Lys693Gln (NM_001346941.2); short protein forms K907Q, K693Q, K960Q, K915Q.
Identifiers: ClinVar variation 2810677 (VCV002810677.4), dbSNP rs1359029869, ClinGen allele CA367581788.